The following is an entry in ClinVar:

ClinVar aggregate classification (germline): Uncertain significance. Review status: criteria provided, multiple submitters, no conflicts (2 of 4 stars). 2 submissions from 2 submitters: Uncertain significance (2). Last evaluated 2025-09-21.

Conditions:
Inborn genetic diseases. Identifiers: MedGen C0950123, MeSH D030342.

gnomAD v4.1: 5 of 1,550,534 alleles (0.00032%); highest among the groups gnomAD compares: South Asian, 0.0012%; no homozygotes.

Submissions (2):

Ambry Genetics
Classification: Uncertain significance for Inborn genetic diseases. Last evaluated: 2025-09-21. Review status: criteria provided, single submitter. Criteria: Ambry Variant Classification Scheme 2023. Collection method: clinical testing. Allele origin: germline.

Labcorp Genetics (formerly Invitae), Labcorp
Classification: Uncertain significance. Last evaluated: 2023-10-17. Review status: criteria provided, single submitter. Criteria: Invitae Variant Classification Sherloc (09022015). Collection method: clinical testing. Allele origin: germline.
Comment: This sequence change replaces arginine, which is basic and polar, with glutamine, which is neutral and polar, at codon 3108 of the UNC80 protein (p.Arg3108Gln). This variant is not present in population databases (gnomAD no frequency). This variant has not been reported in the literature in individuals affected with UNC80-related conditions. Advanced modeling of protein sequence and biophysical properties (such as structural, functional, and spatial information, amino acid conservation, physicochemical variation, residue mobility, and thermodynamic stability) performed at Invitae indicates that this missense variant is not expected to disrupt UNC80 protein function. In summary, the available evidence is currently insufficient to determine the role of this variant in disease. Therefore, it has been classified as a Variant of Uncertain Significance.

NM_001371986.1(UNC80):c.9521G>A (p.Arg3174Gln)

Gene: UNC80 (unc-80 subunit of NALCN channel complex; plus strand). Cytogenetic location: 2q34.
Variant type: single nucleotide variant.
Coding change: c.9521G>A on transcript NM_001371986.1 (MANE Select); coding-DNA position 9521, G replaced by A.
Protein change: p.Arg3174Gln; replaces arginine 3174 with glutamine.
Molecular consequence: missense variant.
Genome position (GRCh38, 1-based): chr2:209,994,077, G>A. VCF-style: chr2-209994077-G-A. GRCh37 (hg19) VCF-style: chr2-210858801-G-A.
Other names: c.9323G>A, p.Arg3108Gln (NM_032504.2); c.9251G>A, p.Arg3084Gln (NM_182587.4); c.9323G>A (NM_032504.1); short protein forms R3108Q, R3174Q, R3084Q.
Identifiers: ClinVar variation 2994923 (VCV002994923.4), dbSNP rs191830048, ClinGen allele CA64665396.